The following is an entry in ClinVar:

NM_000254.3(MTR):c.3711+15G>T

Gene: MTR (5-methyltetrahydrofolate-homocysteine methyltransferase; plus strand). Cytogenetic location: 1q43.
Variant type: single nucleotide variant.
Coding change: c.3711+15G>T on transcript NM_000254.3 (MANE Select); 15 bases into the intron after coding-DNA position 3711, G replaced by T.
Molecular consequence: intron variant.
Genome position (GRCh38, 1-based): chr1:236,897,133, G>T. VCF-style: chr1-236897133-G-T. GRCh37 (hg19) VCF-style: chr1-237060433-G-T.
Other names: p.?; c.3558+15G>T (NM_001291939.1); c.2490+15G>T (NM_001291940.2).
Identifiers: ClinVar variation 138285 (VCV000138285.21), dbSNP rs3820571, ClinGen allele CA292211.

ClinVar aggregate classification (germline): Benign. Review status: criteria provided, multiple submitters, no conflicts (2 of 4 stars). 9 submissions from 9 submitters: Benign (7). 2 of the submissions do not count toward it. Last evaluated 2026-02-04.

Conditions:
Disorders of Intracellular Cobalamin Metabolism. Identifiers: MedGen CN043592.
Methylcobalamin deficiency type cblG (HMAG). Also called: HOMOCYSTINURIA-MEGALOBLASTIC ANEMIA, cblG COMPLEMENTATION TYPE; HOMOCYSTINURIA-MEGALOBLASTIC ANEMIA, cblG TYPE; HOMOCYSTINURIA-MEGALOBLASTIC ANEMIA DUE TO DEFECT IN COBALAMIN METABOLISM, cblG COMPLEMENTATION TYPE; Functional methionine synthase deficiency type cblG. Identifiers: Orphanet 2170, Orphanet 622, MedGen C1855128, MONDO:0009609, OMIM 250940.

Allele frequency attached by ClinVar (database versions not stated): gnomAD exomes 0.64415 and 0.66972; ExAC 0.67559; gnomAD 0.70811 and 0.70934; ESP Exome Variant Server 0.71336; TOPMed 0.71653; 1000 Genomes Project 0.75240; 1000 Genomes Project 30x 0.75422.
gnomAD v4.1: 1,022,975 of 1,572,696 alleles (65%); highest among the groups gnomAD compares: African/African-American, 88%; 336,976 homozygotes.

Submissions (9):

Labcorp Genetics (formerly Invitae), Labcorp
Classification: Benign for Methylcobalamin deficiency type cblG. Last evaluated: 2026-02-04. Review status: criteria provided, single submitter. Criteria: Invitae Variant Classification Sherloc (09022015). Collection method: clinical testing. Allele origin: germline.

Blueprint Genetics
Classification: Benign. Last evaluated: 2024-11-26. Review status: criteria provided, single submitter. Criteria: ACMG Guidelines, 2015. Collection method: clinical testing. Allele origin: germline.

Mayo Clinic Laboratories, Mayo Clinic
Classification: Benign. Last evaluated: 2022-03-03. Review status: criteria provided, single submitter. Criteria: ACMG Guidelines, 2015. Collection method: clinical testing. Allele origin: germline. Observed: 88 variant alleles.

Genome-Nilou Lab
Classification: Benign for Methylcobalamin deficiency type cblG. Last evaluated: 2021-09-05. Review status: criteria provided, single submitter. Criteria: ACMG Guidelines, 2015. Collection method: clinical testing. Allele origin: germline. Affected: no.

Illumina Laboratory Services, Illumina
Classification: Benign for Disorders of Intracellular Cobalamin Metabolism. Last evaluated: 2018-01-13. Review status: criteria provided, single submitter. Criteria: ICSL Variant Classification Criteria 13 December 2019. Collection method: clinical testing. Allele origin: germline.
Comment: This variant was observed in the ICSL laboratory as part of a predisposition screen in an ostensibly healthy population. It had not been previously curated by ICSL or reported in the Human Gene Mutation Database (HGMD: prior to June 1st, 2018), and was therefore a candidate for classification through an automated scoring system. Utilizing variant allele frequency, disease prevalence and penetrance estimates, and inheritance mode, an automated score was calculated to assess if this variant is too frequent to cause the disease. Based on the score and internal cut-off values, a variant classified as benign is not then subjected to further curation. The score for this variant resulted in a classification of benign for this disease.

GeneDx
Classification: Benign. Last evaluated: 2013-09-09. Review status: criteria provided, single submitter. Criteria: GeneDx Variant Classification (06012015). Collection method: clinical testing. Allele origin: germline. Affected: yes.
Comment: This variant is considered likely benign or benign based on one or more of the following criteria: it is a conservative change, it occurs at a poorly conserved position in the protein, it is predicted to be benign by multiple in silico algorithms, and/or has population frequency not consistent with disease.

Breakthrough Genomics
Classification: Benign. Review status: criteria provided, single submitter. Criteria: ACMG Guidelines, 2015. Collection method: not provided. Allele origin: germline. Inheritance: Autosomal recessive inheritance. Affected: yes.

Clinical Genetics, Academic Medical Center
Classification: Benign. Review status: no assertion criteria provided. Collection method: clinical testing. Allele origin: germline. Affected: yes. Study: VKGL Data-share Consensus. Not counted in ClinVar's aggregate classification.

Diagnostic Laboratory, Department of Genetics, University Medical Center Groningen
Classification: Benign. Review status: no assertion criteria provided. Collection method: clinical testing. Allele origin: germline. Affected: yes. Study: VKGL Data-share Consensus. Not counted in ClinVar's aggregate classification.